The following is an entry in ClinVar:

NM_001384140.1(PCDH15):c.1684A>G (p.Thr562Ala)

Gene: PCDH15 (protocadherin related 15; minus strand). Cytogenetic location: 10q21.1.
Variant type: single nucleotide variant.
Coding change: c.1684A>G on transcript NM_001384140.1 (MANE Select); coding-DNA position 1684, A replaced by G.
Protein change: p.Thr562Ala; replaces threonine 562 with alanine.
Molecular consequence: missense variant.
Genome position (GRCh38, 1-based): chr10:54,153,200, T>C on the plus strand (A>G on the coding strand, the complement: PCDH15 is on the minus strand). VCF-style: chr10-54153200-T-C. GRCh37 (hg19) VCF-style: chr10-55912960-T-C.
Other names: c.1699A>G, p.Thr567Ala (NM_001142763.2, NM_001142771.2); c.1684A>G, p.Thr562Ala (NM_001142764.2, NM_001142765.2, NM_001142766.2 and 6 more transcripts); c.1573A>G, p.Thr525Ala (NM_001142767.2); c.1618A>G, p.Thr540Ala (NM_001142768.2, NM_001142773.2, NM_001354404.2); c.1720A>G, p.Thr574Ala (NM_001142769.4); c.1705A>G, p.Thr569Ala (NM_001354411.2); short protein forms T567A, T569A, T574A, T540A, T562A, T525A.
Identifiers: ClinVar variation 1362596 (VCV001362596.9), dbSNP rs2133338613, ClinGen allele CA376519490.

ClinVar aggregate classification (germline): Uncertain significance. Review status: criteria provided, multiple submitters, no conflicts (2 of 4 stars). 2 submissions from 2 submitters: Uncertain significance (2). Last evaluated 2025-04-11.

Submissions (2):

GeneDx
Classification: Uncertain significance. Last evaluated: 2025-04-11. Review status: criteria provided, single submitter. Criteria: GeneDx Variant Classification Process June 2021. Collection method: clinical testing. Allele origin: germline. Affected: yes.
Comment: Not observed at significant frequency in large population cohorts (gnomAD); In silico analysis supports that this missense variant has a deleterious effect on protein structure/function; Has not been previously published as pathogenic or benign to our knowledge

Labcorp Genetics (formerly Invitae), Labcorp
Classification: Uncertain significance. Last evaluated: 2022-07-12. Review status: criteria provided, single submitter. Criteria: Invitae Variant Classification Sherloc (09022015). Collection method: clinical testing. Allele origin: germline.
Comment: This sequence change replaces threonine, which is neutral and polar, with alanine, which is neutral and non-polar, at codon 562 of the PCDH15 protein (p.Thr562Ala). This variant is not present in population databases (gnomAD no frequency). This variant has not been reported in the literature in individuals affected with PCDH15-related conditions. ClinVar contains an entry for this variant (Variation ID: 1362596). Algorithms developed to predict the effect of missense changes on protein structure and function are either unavailable or do not agree on the potential impact of this missense change (SIFT: "Deleterious"; PolyPhen-2: "Possibly Damaging"; Align-GVGD: "Class C0"). Algorithms developed to predict the effect of sequence changes on RNA splicing suggest that this variant may create or strengthen a splice site. In summary, the available evidence is currently insufficient to determine the role of this variant in disease. Therefore, it has been classified as a Variant of Uncertain Significance.